The following is an entry in ClinVar:

NC_000009.11:g.(?_135771612)_(135778184_?)dup

Gene: TSC1 (TSC complex subunit 1; minus strand). Cytogenetic location: 9q34.13.
Variant type: Duplication.
Identifiers: ClinVar variation 652380 (VCV000652380.6).

ClinVar aggregate classification (germline): Uncertain significance (1 of 4 stars; one submission).

Conditions:
Tuberous sclerosis 1 (TSC1). Identifiers: Orphanet 805, MedGen C1854465, MONDO:0008612, OMIM 191100.

Submission:

Labcorp Genetics (formerly Invitae), Labcorp
Classification: Uncertain significance for Tuberous sclerosis 1. Last evaluated: 2018-12-01. Review status: criteria provided, single submitter. Criteria: Invitae Variant Classification Sherloc (09022015). Collection method: clinical testing. Allele origin: germline.
Comment: In summary, the available evidence is currently insufficient to determine the role of this variant in disease. Therefore, it has been classified as a Variant of Uncertain Significance. This variant has not been reported in the literature in individuals with TSC1-related conditions. This variant results in a copy number gain of the genomic region encompassing exons 18-23 of the TSC1 gene. The 5' boundary is likely confined to intron 17. The 3' end of this event is unknown as it extends beyond the assayed region for this gene and therefore may encompass additional genes. As the precise location of this event is unknown, it may be in tandem or it may be located elsewhere in the genome.